The following is an entry in ClinVar:

NM_005337.5(NCKAP1L):c.735+2T>C

Gene: NCKAP1L (NCK associated protein 1 like; plus strand). Cytogenetic location: 12q13.2.
Variant type: single nucleotide variant.
Coding change: c.735+2T>C on transcript NM_005337.5 (MANE Select); the canonical splice donor site of the intron after coding-DNA position 735, T replaced by C.
Molecular consequence: splice donor variant.
Genome position (GRCh38, 1-based): chr12:54,509,987, T>C. VCF-style: chr12-54509987-T-C. GRCh37 (hg19) VCF-style: chr12-54903771-T-C.
Other names: c.585+2T>C (NM_001184976.2).
Identifiers: ClinVar variation 2021121 (VCV002021121.1), dbSNP rs2498582527, ClinGen allele CA385130577.

ClinVar aggregate classification (germline): Uncertain significance (1 of 4 stars; one submission).

Submission:

Labcorp Genetics (formerly Invitae), Labcorp
Classification: Uncertain significance. Last evaluated: 2022-08-02. Review status: criteria provided, single submitter. Criteria: Invitae Variant Classification Sherloc (09022015). Collection method: clinical testing. Allele origin: germline.
Comment: This sequence change affects a donor splice site in intron 7 of the NCKAP1L gene. It is expected to disrupt RNA splicing. Variants that disrupt the donor or acceptor splice site typically lead to a loss of protein function (PMID: 16199547), however the current clinical and genetic evidence is not sufficient to establish whether loss-of-function variants in NCKAP1L cause disease. This variant is not present in population databases (gnomAD no frequency). This variant has not been reported in the literature in individuals affected with NCKAP1L-related conditions. Algorithms developed to predict the effect of sequence changes on RNA splicing suggest that this variant may disrupt the consensus splice site. In summary, the available evidence is currently insufficient to determine the role of this variant in disease. Therefore, it has been classified as a Variant of Uncertain Significance.

Literature cited by the submitters: PubMed 16199547.